The following is an entry in ClinVar:

ClinVar aggregate classification (germline): Conflicting classifications of pathogenicity. Review status: criteria provided, conflicting classifications (1 of 4 stars). 3 submissions from 3 submitters: Uncertain significance (2); Likely benign (1). Last evaluated 2024-11-25.

Conditions:
Inborn genetic diseases. Identifiers: MedGen C0950123, MeSH D030342.
Neonatal encephalomyopathy-cardiomyopathy-respiratory distress syndrome. Also called: Coenzyme Q10 deficiency, primary, 7. Identifiers: Orphanet 457185, MedGen C5568562, MONDO:0014562, OMIM 616276.

Allele frequency attached by ClinVar (database versions not stated): TOPMed 0.00004; gnomAD 0.00003 and 0.00004; gnomAD exomes 0.00003; ExAC 0.00004.
gnomAD v4.1: 35 of 1,596,362 alleles (0.0022%); highest among the groups gnomAD compares: Middle Eastern, 0.017%; no homozygotes.

Submissions (3):

Blueprint Genetics
Classification: Likely benign. Last evaluated: 2024-11-25. Review status: criteria provided, single submitter. Criteria: ACMG Guidelines, 2015. Collection method: clinical testing. Allele origin: germline.

Ambry Genetics
Classification: Uncertain significance for Inborn genetic diseases. Last evaluated: 2024-04-24. Review status: criteria provided, single submitter. Criteria: Ambry Variant Classification Scheme 2023. Collection method: clinical testing. Allele origin: germline.

Labcorp Genetics (formerly Invitae), Labcorp
Classification: Uncertain significance for Neonatal encephalomyopathy-cardiomyopathy-respiratory distress syndrome. Last evaluated: 2022-08-10. Review status: criteria provided, single submitter. Criteria: Invitae Variant Classification Sherloc (09022015). Collection method: clinical testing. Allele origin: germline.
Comment: This sequence change replaces proline, which is neutral and non-polar, with arginine, which is basic and polar, at codon 16 of the COQ4 protein (p.Pro16Arg). This variant is present in population databases (rs775518369, gnomAD 0.006%). This variant has not been reported in the literature in individuals affected with COQ4-related conditions. ClinVar contains an entry for this variant (Variation ID: 476183). Algorithms developed to predict the effect of missense changes on protein structure and function output the following: SIFT: "Tolerated"; PolyPhen-2: "Benign"; Align-GVGD: "Class C0". The arginine amino acid residue is found in multiple mammalian species, which suggests that this missense change does not adversely affect protein function. In summary, the available evidence is currently insufficient to determine the role of this variant in disease. Therefore, it has been classified as a Variant of Uncertain Significance.

NM_016035.5(COQ4):c.47C>G (p.Pro16Arg)

Gene: COQ4 (coenzyme Q4; plus strand). Cytogenetic location: 9q34.11.
Variant type: single nucleotide variant.
Coding change: c.47C>G on transcript NM_016035.5 (MANE Select); coding-DNA position 47, C replaced by G.
Protein change: p.Pro16Arg; replaces proline 16 with arginine.
Molecular consequence: missense variant.
Genome position (GRCh38, 1-based): chr9:128,322,905, C>G. VCF-style: chr9-128322905-C-G. GRCh37 (hg19) VCF-style: chr9-131085184-C-G.
Other names: c.47C>G, p.Pro16Arg (NM_001305942.2); c.47C>G (NM_016035.3); short protein forms P16R.
Identifiers: ClinVar variation 476183 (VCV000476183.8), dbSNP rs775518369, ClinGen allele CA5260372.
Genomic context (GRCh38, chr9:128,322,905, plus strand): 5'-GGACGCCCGCTGCCATGGCGACTCTGCTGCGCCCTGTCCTCCGTCGGCTCTGCGGGCTCC[C>G]GGGCCTACAGCGGCCTGCGGCAGGCAAGTGGCGCCGGGTTCTGGGCGCAGGCGGGAAGGA-3'
Protein context (NP_057119.3, residues 6-26): RPVLRRLCGL[Pro16Arg]GLQRPAAEMP